The following is an entry in ClinVar:

NM_007327.4(GRIN1):c.394-188_394-130del

Gene: GRIN1 (glutamate ionotropic receptor NMDA type subunit 1; plus strand). Cytogenetic location: 9q34.3.
Variant type: Deletion.
Coding change: c.394-188_394-130del on transcript NM_007327.4 (MANE Select); 188 bases into the intron before coding-DNA position 394 through 130 bases into the intron before coding-DNA position 394, 59 bases deleted.
Molecular consequence: intron variant.
Genome position (GRCh38, 1-based): chr9:137,145,538-137,145,596, 59 bases deleted. GRCh37 (hg19): chr9:140,039,990-140,040,048.
Other names: c.394-188_394-130del (NM_001185090.2, NM_001185091.2, NM_021569.4 and 1 more transcripts).
Identifiers: ClinVar variation 681797 (VCV000681797.1), dbSNP rs1564344660, ClinGen allele CA467789092.

ClinVar aggregate classification (germline): Benign (1 of 4 stars; one submission).

Submission:

GeneDx
Classification: Benign. Last evaluated: 2018-06-14. Review status: criteria provided, single submitter. Criteria: GeneDx Variant Classification (06012015). Collection method: clinical testing. Allele origin: germline. Affected: yes.
Comment: This variant is considered likely benign or benign based on one or more of the following criteria: it is a conservative change, it occurs at a poorly conserved position in the protein, it is predicted to be benign by multiple in silico algorithms, and/or has population frequency not consistent with disease.